The following is an entry in ClinVar:

ClinVar aggregate classification (germline): Uncertain significance (1 of 4 stars; one submission).

gnomAD v4.1: 7 of 1,611,544 alleles (0.00043%); highest among the groups gnomAD compares: Middle Eastern, 0.016%; no homozygotes.

Submission:

Athena Diagnostics
Classification: Uncertain significance. Last evaluated: 2024-12-12. Review status: criteria provided, single submitter. Criteria: Athena Diagnostics Criteria. Collection method: clinical testing. Allele origin: unknown.
Comment: Available data are insufficient to determine the clinical significance of the variant at this time. The frequency of this variant in the general population is uninformative in assessment of its pathogenicity. Polyphen and MutationTaster predict this amino acid change may be damaging to the protein.

Literature cited by the submitters: PubMed 28852190.

NM_006946.4(SPTBN2):c.5396C>T (p.Ala1799Val)

Gene: SPTBN2 (spectrin beta, non-erythrocytic 2; minus strand). Cytogenetic location: 11q13.2.
Variant type: single nucleotide variant.
Coding change: c.5396C>T on transcript NM_006946.4 (MANE Select); coding-DNA position 5396, C replaced by T.
Protein change: p.Ala1799Val; replaces alanine 1799 with valine.
Molecular consequence: missense variant.
Genome position (GRCh38, 1-based): chr11:66,691,453, G>A on the plus strand (C>T on the coding strand, the complement: SPTBN2 is on the minus strand). VCF-style: chr11-66691453-G-A. GRCh37 (hg19) VCF-style: chr11-66458924-G-A.
Other names: c.5417C>T, p.Ala1806Val (NM_001411025.1); c.5396C>T, p.Ala1799Val (NM_001437541.1); short protein forms A1799V, A1806V.
Identifiers: ClinVar variation 4682236 (VCV004682236.1).